The following is an entry in ClinVar:

NM_000152.5(GAA):c.2267T>C (p.Leu756Pro)

Gene: GAA (alpha glucosidase; plus strand). Cytogenetic location: 17q25.3.
Variant type: single nucleotide variant.
Coding change: c.2267T>C on transcript NM_000152.5 (MANE Select); coding-DNA position 2267, T replaced by C.
Protein change: p.Leu756Pro; replaces leucine 756 with proline.
Molecular consequence: missense variant.
Genome position (GRCh38, 1-based): chr17:80,117,045, T>C. VCF-style: chr17-80117045-T-C. GRCh37 (hg19) VCF-style: chr17-78090844-T-C.
Other names: c.2267T>C, p.Leu756Pro (NM_001079803.3, NM_001079804.3, NM_001406741.1 and 1 more transcripts); short protein forms L756P.
Identifiers: ClinVar variation 3230473 (VCV003230473.1), dbSNP rs2510396592, ClinGen allele CA401324827.

ClinVar aggregate classification (germline): Uncertain significance (1 of 4 stars; one submission).

Conditions:
Cardiovascular phenotype. Identifiers: MedGen CN230736.

Submission:

Ambry Genetics
Classification: Uncertain significance for Cardiovascular phenotype. Last evaluated: 2023-11-08. Review status: criteria provided, single submitter. Criteria: Ambry Variant Classification Scheme 2023. Collection method: clinical testing. Allele origin: germline.
Comment: The p.L756P variant (also known as c.2267T>C), located in coding exon 15 of the GAA gene, results from a T to C substitution at nucleotide position 2267. The leucine at codon 756 is replaced by proline, an amino acid with similar properties. This amino acid position is conserved. In addition, this alteration is predicted to be deleterious by in silico analysis. Since supporting evidence is limited at this time, the clinical significance of this alteration remains unclear.